The following is an entry in ClinVar:

NM_014915.3(ANKRD26):c.2905C>G (p.Gln969Glu)

Gene: ANKRD26 (ankyrin repeat domain containing 26; minus strand). Cytogenetic location: 10p12.1.
Variant type: single nucleotide variant.
Coding change: c.2905C>G on transcript NM_014915.3 (MANE Select); coding-DNA position 2905, C replaced by G.
Protein change: p.Gln969Glu; replaces glutamine 969 with glutamic acid.
Molecular consequence: missense variant.
Genome position (GRCh38, 1-based): chr10:27,035,545, G>C on the plus strand (C>G on the coding strand, the complement: ANKRD26 is on the minus strand). VCF-style: chr10-27035545-G-C. GRCh37 (hg19) VCF-style: chr10-27324474-G-C.
Other names: c.2902C>G, p.Gln968Glu (NM_001256053.2); short protein forms Q969E, Q968E.
Identifiers: ClinVar variation 3913536 (VCV003913536.1).

ClinVar aggregate classification (germline): Uncertain significance (1 of 4 stars; one submission).

Conditions:
Inborn genetic diseases. Identifiers: MedGen C0950123, MeSH D030342.

Submission:

Ambry Genetics
Classification: Uncertain significance for Inborn genetic diseases. Last evaluated: 2025-04-01. Review status: criteria provided, single submitter. Criteria: Ambry Variant Classification Scheme 2023. Collection method: clinical testing. Allele origin: germline.
Comment: The p.Q969E variant (also known as c.2905C>G), located in coding exon 24 of the ANKRD26 gene, results from a C to G substitution at nucleotide position 2905. The glutamine at codon 969 is replaced by glutamic acid, an amino acid with highly similar properties. This amino acid position is conserved. In addition, this alteration is predicted to be tolerated by in silico analysis. Based on the available evidence, the clinical significance of this variant remains unclear.